The following is an entry in ClinVar:

ClinVar aggregate classification (germline): Likely pathogenic. Review status: criteria provided, single submitter (1 of 4 stars). 2 submissions from 2 submitters: Likely pathogenic (1). 1 of the submissions does not count toward it. Last evaluated 2022-07-05.

Submissions (2):

Labcorp Genetics (formerly Invitae), Labcorp
Classification: Likely pathogenic. Last evaluated: 2022-07-05. Review status: criteria provided, single submitter. Criteria: Invitae Variant Classification Sherloc (09022015). Collection method: clinical testing. Allele origin: germline.
Comment: In summary, the currently available evidence indicates that the variant is pathogenic, but additional data are needed to prove that conclusively. Therefore, this variant has been classified as Likely Pathogenic. This sequence change replaces leucine, which is neutral and non-polar, with proline, which is neutral and non-polar, at codon 127 of the RS1 protein (p.Leu127Pro). This variant is not present in population databases (gnomAD no frequency). This missense change has been observed in individual(s) with retinoschisis (PMID: 20061330). ClinVar contains an entry for this variant (Variation ID: 98949). Advanced modeling of protein sequence and biophysical properties (such as structural, functional, and spatial information, amino acid conservation, physicochemical variation, residue mobility, and thermodynamic stability) performed at Invitae indicates that this missense variant is expected to disrupt RS1 protein function.

Retina International
No classification provided. Review status: no classification provided. Collection method: not provided. Allele origin: unknown. Not counted in ClinVar's aggregate classification.

Literature cited by the submitters: PubMed 20061330 (cited by Labcorp Genetics (formerly Invitae), Labcorp).

NM_000330.4(RS1):c.380T>C (p.Leu127Pro)

Genes: CDKL5 (cyclin dependent kinase like 5; plus strand), RS1 (retinoschisin 1; minus strand). Cytogenetic location: Xp22.13.
Variant type: single nucleotide variant.
Coding change: c.380T>C on transcript NM_000330.4 (MANE Select); coding-DNA position 380, T replaced by C.
Protein change: p.Leu127Pro; replaces leucine 127 with proline.
Molecular consequence: missense variant. On other transcripts: intron variant (2).
Genome position (GRCh38, 1-based): chrX:18,644,572, A>G on the plus strand (T>C on the coding strand, the complement: RS1 is on the minus strand). VCF-style: chrX-18644572-A-G. GRCh37 (hg19) VCF-style: chrX-18662692-A-G.
Other names: c.2714-1435A>G (NM_003159.3, NM_001037343.2); short protein forms L127P.
Identifiers: ClinVar variation 98949 (VCV000098949.7), dbSNP rs61752149, ClinGen allele CA226707.
Genomic context (GRCh38, chrX:18,644,572, plus strand): 5'-CACTCATCGATGTCACAGCGCCCCTGGGTGAGGATCCCTGAAATCACTTTGATCTCCTTC[A>G]GATCTATCTGTAACCACTGGCTACTGTCCTGGAACTTGGAGAGCCAGGCACACCTGCCGA-3'
Protein context (NP_000321.1, residues 117-137): QDSSQWLQID[Leu127Pro]KEIKVISGIL